The following is an entry in ClinVar:

NM_003560.4(PLA2G6):c.1615G>A (p.Gly539Ser)

Gene: PLA2G6 (phospholipase A2 group VI; minus strand). Cytogenetic location: 22q13.1.
Variant type: single nucleotide variant.
Coding change: c.1615G>A on transcript NM_003560.4 (MANE Select); coding-DNA position 1615, G replaced by A.
Protein change: p.Gly539Ser; replaces glycine 539 with serine.
Molecular consequence: missense variant.
Genome position (GRCh38, 1-based): chr22:38,120,886, C>T on the plus strand (G>A on the coding strand, the complement: PLA2G6 is on the minus strand). VCF-style: chr22-38120886-C-T. GRCh37 (hg19) VCF-style: chr22-38516893-C-T.
Other names: p.Gly539Ser; c.1453G>A, p.Gly485Ser (NM_001004426.3, NM_001199562.3, NM_001349865.2 and 1 more transcripts); c.1615G>A, p.Gly539Ser (NM_001349864.2); c.1081G>A, p.Gly361Ser (NM_001349867.2); c.937G>A, p.Gly313Ser (NM_001349868.2); c.919G>A, p.Gly307Ser (NM_001349869.2); short protein forms G539S, G307S, G361S, G313S, G485S.
Identifiers: ClinVar variation 159740 (VCV000159740.65), dbSNP rs143826762, ClinGen allele CA173219.

ClinVar aggregate classification (germline): Conflicting classifications of pathogenicity. Review status: criteria provided, conflicting classifications (1 of 4 stars). 8 submissions from 8 submitters: Uncertain significance (7); Likely benign (1). Last evaluated 2026-09-12.

Conditions:
PLA2G6-associated neurodegeneration (PLAN). Also called: phospholipase A2-associated neurodegeneration. Identifiers: Orphanet 329303, MedGen CN204472, MONDO:0017998.
Autosomal recessive Parkinson disease 14. Also called: DYSTONIA-PARKINSONISM, ADULT-ONSET; PARKINSON DISEASE 14. Identifiers: Orphanet 199351, MedGen C2751842, MONDO:0013060, OMIM 612953.
Infantile neuroaxonal dystrophy (NBIA2A). Also called: SEITELBERGER DISEASE; NEURODEGENERATION WITH BRAIN IRON ACCUMULATION 2A; Infantile neuroaxonal dystrophy 1. Identifiers: Orphanet 35069, MedGen C0270724, MONDO:0024457, OMIM 256600.
Neurodegeneration with brain iron accumulation 2B. Also called: NEUROAXONAL DYSTROPHY, ATYPICAL; NEURODEGENERATION WITH BRAIN IRON ACCUMULATION, PLA2G6-RELATED; aNAD; atypical Neuroaxonal Dystrophy (aNAD). Identifiers: Orphanet 35069, MedGen C1857747, MONDO:0012444, OMIM 610217.
Iron accumulation in brain. Identifiers: MedGen C4021076, HP:0012675.

Allele frequency attached by ClinVar (database versions not stated): gnomAD exomes 0.00068 and 0.00143; TOPMed 0.00075; gnomAD 0.00090 and 0.00092; ESP Exome Variant Server 0.00092; 1000 Genomes Project 0.00060; 1000 Genomes Project 30x 0.00062; ExAC 0.00064.
gnomAD v4.1: 2,211 of 1,613,682 alleles (0.14%); highest among the groups gnomAD compares: Non-Finnish European, 0.17%; 1 homozygote.

Submissions (8):

GeneDx
Classification: Uncertain significance. Last evaluated: 2026-09-12. Review status: criteria provided, single submitter. Criteria: GeneDx Variant Classification Process June 2021. Collection method: clinical testing. Allele origin: germline.
Comment: Reported as a heterozygous variant along with variants in other genes in a patient with high HDL cholesterol in the published literature (PMID: 23685560); Reported as a likely benign variant in a patient with early onset Parkinson's disease who also harbored a pathogenic variant in LRRK2 (PMID: 37750340); In silico analysis suggests that this missense variant does not alter protein structure/function; This variant is associated with the following publications: (PMID: 36233161, 39034353, 23685560, 37750340, 41445612)

Labcorp Genetics (formerly Invitae), Labcorp
Classification: Likely benign for Infantile neuroaxonal dystrophy. Last evaluated: 2026-02-02. Review status: criteria provided, single submitter. Criteria: Invitae Variant Classification Sherloc (09022015). Collection method: clinical testing. Allele origin: germline.

Mayo Clinic Laboratories, Mayo Clinic
Classification: Uncertain significance. Last evaluated: 2025-07-31. Review status: criteria provided, single submitter. Criteria: ACMG Guidelines, 2015. Collection method: clinical testing. Allele origin: germline. Observed: 8 variant alleles.
Comment: BS1, BP4_moderate

CeGaT Center for Human Genetics Tuebingen
Classification: Uncertain significance. Last evaluated: 2025-04-01. Review status: criteria provided, single submitter. Criteria: CeGaT Center For Human Genetics Tuebingen Variant Classification Criteria Version 2. Collection method: clinical testing. Allele origin: germline. Affected: yes. Observed: 3 variant alleles.

Athena Diagnostics
Classification: Uncertain significance. Last evaluated: 2020-01-08. Review status: criteria provided, single submitter. Criteria: Athena Diagnostics Criteria. Collection method: clinical testing. Allele origin: unknown.

Fulgent Genetics
Classification: Uncertain significance for Infantile neuroaxonal dystrophy; Neurodegeneration with brain iron accumulation 2B; Autosomal recessive Parkinson disease 14. Last evaluated: 2018-10-31. Review status: criteria provided, single submitter. Criteria: ACMG Guidelines, 2015. Collection method: clinical testing. Allele origin: unknown.

Illumina Laboratory Services, Illumina
Classification: Uncertain significance for PLA2G6-associated neurodegeneration. Last evaluated: 2018-01-13. Review status: criteria provided, single submitter. Criteria: ICSL Variant Classification Criteria 13 December 2019. Collection method: clinical testing. Allele origin: germline.

Genetic Services Laboratory, University of Chicago
Classification: Uncertain significance for iron accumulation in brain. Last evaluated: 2014-05-09. Review status: criteria provided, single submitter. Criteria: ACMG Guidelines, 2015. Collection method: clinical testing. Allele origin: germline. Inheritance: Autosomal recessive inheritance.

Literature cited by the submitters: PubMed 36233161 (cited by Mayo Clinic Laboratories, Mayo Clinic); PubMed 37750340 (cited by Mayo Clinic Laboratories, Mayo Clinic); PubMed 23685560 (cited by Athena Diagnostics).